The following is an entry in ClinVar:

ClinVar aggregate classification (germline): Uncertain significance (1 of 4 stars; one submission).

Submission:

GeneDx
Classification: Uncertain significance. Last evaluated: 2020-01-24. Review status: criteria provided, single submitter. Criteria: GeneDx Variant Classification Process June 2021. Collection method: clinical testing. Allele origin: germline. Affected: yes.
Comment: Not observed in large population cohorts (Lek et al., 2016); In silico analysis, which includes protein predictors and evolutionary conservation, supports a deleterious effect; Has not been previously published as pathogenic or benign to our knowledge

NM_025074.7(FRAS1):c.7739A>G (p.Asn2580Ser)

Gene: FRAS1 (Fraser extracellular matrix complex subunit 1; plus strand). Cytogenetic location: 4q21.21.
Variant type: single nucleotide variant.
Coding change: c.7739A>G on transcript NM_025074.7 (MANE Select); coding-DNA position 7739, A replaced by G.
Protein change: p.Asn2580Ser; replaces asparagine 2580 with serine.
Molecular consequence: missense variant.
Genome position (GRCh38, 1-based): chr4:78,475,494, A>G. VCF-style: chr4-78475494-A-G. GRCh37 (hg19) VCF-style: chr4-79396648-A-G.
Other names: short protein forms N2580S.
Identifiers: ClinVar variation 1315040 (VCV001315040.2), dbSNP rs2109854339, ClinGen allele CA357371004.